The following is an entry in ClinVar:

NM_001385012.1(NBEA):c.3607A>G (p.Ile1203Val)

Gene: NBEA (neurobeachin; plus strand). Cytogenetic location: 13q13.3.
Variant type: single nucleotide variant.
Coding change: c.3607A>G on transcript NM_001385012.1 (MANE Select); coding-DNA position 3607, A replaced by G.
Protein change: p.Ile1203Val; replaces isoleucine 1203 with valine.
Molecular consequence: missense variant.
Genome position (GRCh38, 1-based): chr13:35,159,778, A>G. VCF-style: chr13-35159778-A-G. GRCh37 (hg19) VCF-style: chr13-35733915-A-G.
Other names: c.3607A>G, p.Ile1203Val (NM_001379245.1, NM_015678.5); short protein forms I1203V.
Identifiers: ClinVar variation 2434059 (VCV002434059.25), dbSNP rs747445534, ClinGen allele CA6946661.

ClinVar aggregate classification (germline): Conflicting classifications of pathogenicity. Review status: criteria provided, conflicting classifications (1 of 4 stars). 2 submissions from 2 submitters: Uncertain significance (1); Likely benign (1). Last evaluated 2025-09-01.

Conditions:
Neurodevelopmental disorder with or without early-onset generalized epilepsy. Identifiers: MedGen C5436914, MONDO:0030930, OMIM 619157.

Allele frequency attached by ClinVar (database versions not stated): TOPMed below 0.00001; ExAC 0.00001; gnomAD exomes 0.00001.
gnomAD v4.1: 7 of 1,612,796 alleles (0.00043%); highest among the groups gnomAD compares: African/African-American, 0.0013%; no homozygotes.

Submissions (2):

CeGaT Center for Human Genetics Tuebingen
Classification: Likely benign. Last evaluated: 2025-09-01. Review status: criteria provided, single submitter. Criteria: CeGaT Center For Human Genetics Tuebingen Variant Classification Criteria Version 2. Collection method: clinical testing. Allele origin: germline. Affected: yes. Observed: 3 variant alleles.
Comment: NBEA: BP4

Revvity Omics, Revvity
Classification: Uncertain significance for Neurodevelopmental disorder with or without early-onset generalized epilepsy. Last evaluated: 2021-12-27. Review status: criteria provided, single submitter. Criteria: ACMG Guidelines, 2015. Collection method: clinical testing. Allele origin: germline.